The following is an entry in ClinVar:

NM_006899.5(IDH3B):c.1082G>A (p.Arg361Gln)

Gene: IDH3B (isocitrate dehydrogenase (NAD(+)) 3 non-catalytic subunit beta; minus strand). Cytogenetic location: 20p13.
Variant type: single nucleotide variant.
Coding change: c.1082G>A on transcript NM_006899.5 (MANE Select); coding-DNA position 1082, G replaced by A.
Protein change: p.Arg361Gln; replaces arginine 361 with glutamine.
Molecular consequence: missense variant. On other transcripts: non-coding transcript variant (1), intron variant (1).
Genome position (GRCh38, 1-based): chr20:2,658,827, C>T on the plus strand (G>A on the coding strand, the complement: IDH3B is on the minus strand). VCF-style: chr20-2658827-C-T. GRCh37 (hg19) VCF-style: chr20-2639473-C-T.
Other names: c.1082G>A (NM_006899.2); c.1082G>A, p.Arg361Gln (NM_001330763.2); c.1072-305G>A (NM_174855.4); short protein forms R361Q.
Identifiers: ClinVar variation 338013 (VCV000338013.10), dbSNP rs145651330, ClinGen allele CA9735056.
Genomic context (GRCh38, chr20:2,658,827, plus strand): 5'-TGCAGGTGACCGATGACAGACTTGATGAAGTCGGTTGTGGTGCTGTAGCCGCCCATGTCT[C>T]GAGTCCGCACCTACAGCCACCACCGGCAACAGCCGTGGGGAGGGAGAAAAGAGAGCCCAT-3'
Protein context (NP_008830.2, residues 351-371): KVIKVGKVRT[Arg361Gln]DMGGYSTTTD

ClinVar aggregate classification (germline): Uncertain significance. Review status: criteria provided, multiple submitters, no conflicts (2 of 4 stars). 4 submissions from 4 submitters: Uncertain significance (4). Last evaluated 2023-12-27.

Conditions:
Retinitis pigmentosa (RP). Identifiers: Orphanet 791, MedGen C0035334, MeSH D012174, MONDO:0019200, OMIM 268000. Inheritance: Autosomal dominant, autosomal recessive and X linked inheritance.

Allele frequency attached by ClinVar (database versions not stated): ExAC 0.00002; gnomAD 0.00002 and 0.00003; gnomAD exomes 0.00002 and 0.00004; TOPMed 0.00006; ESP Exome Variant Server 0.00008.
gnomAD v4.1: 56 of 1,613,958 alleles (0.0035%); highest among the groups gnomAD compares: Non-Finnish European, 0.0045%; no homozygotes.

Submissions (4):

Blueprint Genetics
Classification: Uncertain significance. Last evaluated: 2023-12-27. Review status: criteria provided, single submitter. Criteria: ACMG Guidelines, 2015. Collection method: clinical testing. Allele origin: germline.

Ambry Genetics
Classification: Uncertain significance. Last evaluated: 2023-09-12. Review status: criteria provided, single submitter. Criteria: Ambry Variant Classification Scheme 2023. Collection method: clinical testing. Allele origin: germline.

Labcorp Genetics (formerly Invitae), Labcorp
Classification: Uncertain significance. Last evaluated: 2022-07-26. Review status: criteria provided, single submitter. Criteria: Invitae Variant Classification Sherloc (09022015). Collection method: clinical testing. Allele origin: germline.
Comment: This sequence change replaces arginine with glutamine at codon 361 of the IDH3B protein (p.Arg361Gln). The arginine residue is moderately conserved and there is a small physicochemical difference between arginine and glutamine. This variant is present in population databases (rs145651330, gnomAD 0.004%). This variant has not been reported in the literature in individuals affected with IDH3B-related conditions. ClinVar contains an entry for this variant (Variation ID: 338013). Algorithms developed to predict the effect of missense changes on protein structure and function are either unavailable or do not agree on the potential impact of this missense change (SIFT: "Not Available"; PolyPhen-2: "Benign"; Align-GVGD: "Not Available"). In summary, the available evidence is currently insufficient to determine the role of this variant in disease. Therefore, it has been classified as a Variant of Uncertain Significance.

Illumina Laboratory Services, Illumina
Classification: Uncertain significance for Retinitis pigmentosa. Last evaluated: 2018-01-12. Review status: criteria provided, single submitter. Criteria: ICSL Variant Classification Criteria 13 December 2019. Collection method: clinical testing. Allele origin: germline.